The following is an entry in ClinVar:

ClinVar aggregate classification (germline): Uncertain significance (0 of 4 stars; one submission).

Conditions:
NRXN1-related disorder.

Submission:

PreventionGenetics, part of Exact Sciences
Classification: Uncertain significance for NRXN1-related condition. Last evaluated: 2024-03-15. Review status: no assertion criteria provided. Collection method: clinical testing. Allele origin: germline.
Comment: The NRXN1 c.2264-5T>C variant is predicted to interfere with splicing. This variant is predicted to activate a cryptic splice acceptor site (SpliceAI, Jaganathan K, et al. 2019. PubMed ID: 30661751). To our knowledge, this variant has not been reported in the literature or in a large population database, indicating this variant is rare. At this time, the clinical significance of this variant is uncertain due to the absence of conclusive functional and genetic evidence.

NM_001330078.2(NRXN1):c.2144-5T>C

Gene: NRXN1 (neurexin 1; minus strand). Cytogenetic location: 2p16.3.
Variant type: single nucleotide variant.
Coding change: c.2144-5T>C on transcript NM_001330078.2 (MANE Select); 5 bases into the intron before coding-DNA position 2144, T replaced by C.
Molecular consequence: intron variant.
Genome position (GRCh38, 1-based): chr2:50,531,435, A>G on the plus strand (T>C on the coding strand, the complement: NRXN1 is on the minus strand). VCF-style: chr2-50531435-A-G. GRCh37 (hg19) VCF-style: chr2-50758573-A-G.
Other names: c.2060-5T>C (NM_001330096.2, NM_001330087.2); c.2105-5T>C (NM_001330083.2, NM_001330084.2); c.2090-5T>C (NM_001330088.2); c.2141-5T>C (NM_001330093.2); c.2132-5T>C (NM_001330094.2); c.2120-5T>C (NM_001330095.2, NM_001330082.2, NM_001330077.2); c.2144-5T>C (NM_001330085.2, NM_004801.6, NM_001330086.2); c.2264-5T>C (NM_001135659.3).
Identifiers: ClinVar variation 3350058 (VCV003350058.1).
Genomic context (GRCh38, chr2:50,531,435, plus strand): 5'-TACGGGGAGCTGAATTTTCATAAACATGCTCCCATCATAGCTCAAAACCGTTGCCTCTAG[A>G]GATGGAAAATGAATATGATAAGTTCTTGGATGGTATAGCGCATTAATACTTTAAAGAGGA-3'